The following is an entry in ClinVar:

ClinVar aggregate classification (germline): Uncertain significance (1 of 4 stars; one submission).

Conditions:
Charcot-Marie-Tooth disease axonal type 2L. Also called: Charcot-Marie-Tooth Neuropathy Type 2L; CHARCOT-MARIE-TOOTH DISEASE, AXONAL, AUTOSOMAL DOMINANT, TYPE 2L; CHARCOT-MARIE-TOOTH NEUROPATHY, AXONAL, TYPE 2L. Identifiers: Orphanet 99945, MedGen C1837552, MONDO:0012096, OMIM 608673.

Submission:

Labcorp Genetics (formerly Invitae), Labcorp
Classification: Uncertain significance for Charcot-Marie-Tooth disease axonal type 2L. Last evaluated: 2019-06-28. Review status: criteria provided, single submitter. Criteria: Invitae Variant Classification Sherloc (09022015). Collection method: clinical testing. Allele origin: germline.
Comment: In summary, the available evidence is currently insufficient to determine the role of this variant in disease. Therefore, it has been classified as a Variant of Uncertain Significance. Variants that disrupt the p.Lys141 amino acid residue in HSPB8 have been observed in affected individuals (PMID: 15122253, 20538880). This suggests that it is a clinically significant residue, and that other variants that disrupt this residue are likely to be causative of disease. Algorithms developed to predict the effect of missense changes on protein structure and function are either unavailable or do not agree on the potential impact of this missense change (SIFT: "Deleterious"; PolyPhen-2: "Probably Damaging"; Align-GVGD: "Class C0"). This variant has not been reported in the literature in individuals with HSPB8-related disease. This variant is not present in population databases (ExAC no frequency). This sequence change replaces lysine with glutamine at codon 141 of the HSPB8 protein (p.Lys141Gln). The lysine residue is highly conserved and there is a small physicochemical difference between lysine and glutamine.

Literature cited by the submitters: PubMed 15122253; PubMed 20538880.

NM_014365.3(HSPB8):c.421A>C (p.Lys141Gln)

Gene: HSPB8 (heat shock protein family B (small) member 8; plus strand). Cytogenetic location: 12q24.23.
Variant type: single nucleotide variant.
Coding change: c.421A>C on transcript NM_014365.3 (MANE Select); coding-DNA position 421, A replaced by C.
Protein change: p.Lys141Gln; replaces lysine 141 with glutamine.
Molecular consequence: missense variant.
Genome position (GRCh38, 1-based): chr12:119,187,078, A>C. VCF-style: chr12-119187078-A-C. GRCh37 (hg19) VCF-style: chr12-119624883-A-C.
Other names: short protein forms K141Q.
Identifiers: ClinVar variation 570968 (VCV000570968.10), dbSNP rs104894351, ClinGen allele CA386529554.